The following is an entry in ClinVar:

ClinVar aggregate classification (germline): Uncertain significance. Review status: criteria provided, multiple submitters, no conflicts (2 of 4 stars). 2 submissions from 2 submitters: Uncertain significance (2). Last evaluated 2024-01-11.

Conditions:
Inborn genetic diseases. Identifiers: MedGen C0950123, MeSH D030342.

gnomAD v4.1: 1 of 1,596,196 alleles (0.000063%); highest among the groups gnomAD compares: Non-Finnish European, 0.000086%; no homozygotes.

Submissions (2):

GeneDx
Classification: Uncertain significance. Last evaluated: 2024-01-11. Review status: criteria provided, single submitter. Criteria: GeneDx Variant Classification Process June 2021. Collection method: clinical testing. Allele origin: germline. Affected: yes.
Comment: Not observed at significant frequency in large population cohorts (gnomAD); In silico analysis supports that this missense variant has a deleterious effect on protein structure/function; Has not been previously published as pathogenic or benign to our knowledge

Ambry Genetics
Classification: Uncertain significance for Inborn genetic diseases. Last evaluated: 2023-09-20. Review status: criteria provided, single submitter. Criteria: Ambry Variant Classification Scheme 2023. Collection method: clinical testing. Allele origin: germline.

NM_000414.4(HSD17B4):c.109G>T (p.Val37Phe)

Gene: HSD17B4 (hydroxysteroid 17-beta dehydrogenase 4; plus strand). Cytogenetic location: 5q23.1.
Variant type: single nucleotide variant.
Coding change: c.109G>T on transcript NM_000414.4 (MANE Select); coding-DNA position 109, G replaced by T.
Protein change: p.Val37Phe; replaces valine 37 with phenylalanine.
Molecular consequence: missense variant. On other transcripts: 5 prime UTR variant (7), non-coding transcript variant (2), intron variant (1).
Genome position (GRCh38, 1-based): chr5:119,456,365, G>T. VCF-style: chr5-119456365-G-T. GRCh37 (hg19) VCF-style: chr5-118792060-G-T.
Other names: c.119G>T, p.Cys40Phe (NM_001199291.3); c.-29G>T (NM_001292027.2); c.-303G>T (NM_001292028.2, NM_001374501.1); c.109G>T, p.Val37Phe (NM_001374497.1, NM_001374498.1); c.-237G>T (NM_001374499.1); c.-430G>T (NM_001374500.1); c.-308G>T (NM_001374502.1); c.-373G>T (NM_001374503.1); and 1 more; short protein forms C40F, V37F.
Identifiers: ClinVar variation 3107127 (VCV003107127.2), dbSNP rs747214551, ClinGen allele CA360860010.